The following is an entry in ClinVar:

NM_001377.3(DYNC2H1):c.4728C>G (p.Asn1576Lys)

Gene: DYNC2H1 (dynein cytoplasmic 2 heavy chain 1; plus strand). Cytogenetic location: 11q22.3.
Variant type: single nucleotide variant.
Coding change: c.4728C>G on transcript NM_001377.3 (MANE Select); coding-DNA position 4728, C replaced by G.
Protein change: p.Asn1576Lys; replaces asparagine 1576 with lysine.
Molecular consequence: missense variant.
Genome position (GRCh38, 1-based): chr11:103,166,014, C>G. VCF-style: chr11-103166014-C-G. GRCh37 (hg19) VCF-style: chr11-103036743-C-G.
Other names: c.4728C>G, p.Asn1576Lys (NM_001080463.2); short protein forms N1576K.
Identifiers: ClinVar variation 379420 (VCV000379420.37), dbSNP rs72989738, ClinGen allele CA6253619.

ClinVar aggregate classification (germline): Benign/Likely benign. Review status: criteria provided, multiple submitters, no conflicts (2 of 4 stars). 11 submissions from 11 submitters: Benign (6); Likely benign (1). 4 of the submissions do not count toward it. Last evaluated 2026-02-04.

Conditions:
Jeune thoracic dystrophy. Also called: Infantile thoracic dystrophy; Thoracic pelvic phalangeal dystrophy; Jeune's syndrome; Chondroectodermal dysplasia-like syndrome; Jeune syndrome; Short-rib thoracic dysplasia. Identifiers: Orphanet 474, MedGen C0265275, MONDO:0018770.
Asphyxiating thoracic dystrophy 3. Also called: SHORT-RIB THORACIC DYSPLASIA 3 WITH OR WITHOUT POLYDACTYLY; POLYDACTYLY WITH NEONATAL CHONDRODYSTROPHY, TYPE I; SHORT-RIB THORACIC DYSPLASIA 3/6 WITH POLYDACTYLY, DIGENIC; Short rib polydactyly syndrome 2B; Saldino-Noonan Syndrome. Identifiers: Orphanet 474, Orphanet 93269, Orphanet 93270, Orphanet 93271, MedGen C0036069, MONDO:0013127, OMIM 613091.

Allele frequency attached by ClinVar (database versions not stated): 1000 Genomes Project 0.01458; 1000 Genomes Project 30x 0.01546; ExAC 0.02095; ESP Exome Variant Server 0.02197; gnomAD 0.02272 and 0.02353; TOPMed 0.02439.
gnomAD v4.1: 45,066 of 1,532,380 alleles (2.9%); highest among the groups gnomAD compares: Middle Eastern, 4.7%; 804 homozygotes.

Submissions (11):

Labcorp Genetics (formerly Invitae), Labcorp
Classification: Benign for Jeune thoracic dystrophy. Last evaluated: 2026-02-04. Review status: criteria provided, single submitter. Criteria: Invitae Variant Classification Sherloc (09022015). Collection method: clinical testing. Allele origin: germline.

ARUP Laboratories, Molecular Genetics and Genomics, ARUP Laboratories
Classification: Benign for Asphyxiating thoracic dystrophy 3. Last evaluated: 2025-05-20. Review status: criteria provided, single submitter. Criteria: ARUP Molecular Germline Variant Investigation Process 2024. Collection method: clinical testing. Allele origin: germline.

Blueprint Genetics
Classification: Likely benign. Last evaluated: 2024-11-27. Review status: criteria provided, single submitter. Criteria: ACMG Guidelines, 2015. Collection method: clinical testing. Allele origin: germline.

Illumina Laboratory Services, Illumina
Classification: Benign for Asphyxiating thoracic dystrophy 3. Last evaluated: 2018-01-12. Review status: criteria provided, single submitter. Criteria: ICSL Variant Classification Criteria 13 December 2019. Collection method: clinical testing. Allele origin: germline.
Comment: This variant was observed in the ICSL laboratory as part of a predisposition screen in an ostensibly healthy population. It had not been previously curated by ICSL or reported in the Human Gene Mutation Database (HGMD: prior to June 1st, 2018), and was therefore a candidate for classification through an automated scoring system. Utilizing variant allele frequency, disease prevalence and penetrance estimates, and inheritance mode, an automated score was calculated to assess if this variant is too frequent to cause the disease. Based on the score and internal cut-off values, a variant classified as benign is not then subjected to further curation. The score for this variant resulted in a classification of benign for this disease.

GeneDx
Classification: Benign. Last evaluated: 2016-09-09. Review status: criteria provided, single submitter. Criteria: GeneDx Variant Classification (06012015). Collection method: clinical testing. Allele origin: germline. Affected: yes.
Comment: This variant is considered likely benign or benign based on one or more of the following criteria: it is a conservative change, it occurs at a poorly conserved position in the protein, it is predicted to be benign by multiple in silico algorithms, and/or has population frequency not consistent with disease.

Laboratory for Molecular Medicine, Mass General Brigham Personalized Medicine
Classification: Benign. Last evaluated: 2016-03-28. Review status: criteria provided, single submitter. Criteria: LMM Criteria. Collection method: clinical testing. Allele origin: germline.
Comment: Variant identified in a genome or exome case(s) and assessed due to predicted null impact of the variant or pathogenic assertions in the literature or databases. Disclaimer: This variant has not undergone full assessment. The following are preliminary notes: Frequency, gene associated with Jeune syndrome

Breakthrough Genomics
Classification: Benign. Review status: criteria provided, single submitter. Criteria: ACMG Guidelines, 2015. Collection method: not provided. Allele origin: germline. Inheritance: Autosomal recessive inheritance. Affected: yes.

Clinical Genetics DNA and cytogenetics Diagnostics Lab, Erasmus MC, Erasmus Medical Center
Classification: Likely benign. Review status: no assertion criteria provided. Collection method: clinical testing. Allele origin: germline. Affected: yes. Study: VKGL Data-share Consensus. Not counted in ClinVar's aggregate classification.

Genome Diagnostics Laboratory, University Medical Center Utrecht
Classification: Likely benign. Review status: no assertion criteria provided. Collection method: clinical testing. Allele origin: germline. Affected: yes. Study: VKGL Data-share Consensus. Not counted in ClinVar's aggregate classification.

Joint Genome Diagnostic Labs from Nijmegen and Maastricht, Radboudumc and MUMC+
Classification: Benign. Review status: no assertion criteria provided. Collection method: clinical testing. Allele origin: germline. Affected: yes. Study: VKGL Data-share Consensus. Not counted in ClinVar's aggregate classification.

Laboratory of Diagnostic Genome Analysis, Leiden University Medical Center (LUMC)
Classification: Likely benign. Review status: no assertion criteria provided. Collection method: clinical testing. Allele origin: germline. Affected: yes. Study: VKGL Data-share Consensus. Not counted in ClinVar's aggregate classification.